The following is an entry in ClinVar:

ClinVar aggregate classification (germline): Conflicting classifications of pathogenicity. Review status: criteria provided, conflicting classifications (1 of 4 stars). 2 submissions from 2 submitters: Uncertain significance (1); Likely benign (1). Last evaluated 2023-01-06.

Conditions:
Epidermodysplasia verruciformis. Identifiers: Orphanet 302, MedGen C0014522, MONDO:0009176.
Inborn genetic diseases. Identifiers: MedGen C0950123, MeSH D030342.

Allele frequency attached by ClinVar (database versions not stated): gnomAD exomes 0.00002; gnomAD 0.00001; ExAC 0.00005; TOPMed 0.00002; ESP Exome Variant Server 0.00015.
gnomAD v4.1: 36 of 1,613,766 alleles (0.0022%); highest among the groups gnomAD compares: Non-Finnish European, 0.0029%; no homozygotes.

Submissions (2):

Ambry Genetics
Classification: Likely benign for Inborn genetic diseases. Last evaluated: 2023-01-06. Review status: criteria provided, single submitter. Criteria: Ambry Variant Classification Scheme 2023. Collection method: clinical testing. Allele origin: germline.

Labcorp Genetics (formerly Invitae), Labcorp
Classification: Uncertain significance for Epidermodysplasia verruciformis. Last evaluated: 2021-08-26. Review status: criteria provided, single submitter. Criteria: Invitae Variant Classification Sherloc (09022015). Collection method: clinical testing. Allele origin: germline.
Comment: This sequence change replaces arginine with histidine at codon 295 of the TMC8 protein (p.Arg295His). The arginine residue is weakly conserved and there is a small physicochemical difference between arginine and histidine. This variant is present in population databases (rs373918852, ExAC 0.009%). This variant has not been reported in the literature in individuals affected with TMC8-related conditions. Algorithms developed to predict the effect of missense changes on protein structure and function output the following: SIFT: "Tolerated"; PolyPhen-2: "Benign"; Align-GVGD: "Class C0". The histidine amino acid residue is found in multiple mammalian species, which suggests that this missense change does not adversely affect protein function. In summary, the available evidence is currently insufficient to determine the role of this variant in disease. Therefore, it has been classified as a Variant of Uncertain Significance.

NM_152468.5(TMC8):c.884G>A (p.Arg295His)

Gene: TMC8 (transmembrane channel like 8; plus strand). Cytogenetic location: 17q25.3.
Variant type: single nucleotide variant.
Coding change: c.884G>A on transcript NM_152468.5 (MANE Select); coding-DNA position 884, G replaced by A.
Protein change: p.Arg295His; replaces arginine 295 with histidine.
Molecular consequence: missense variant.
Genome position (GRCh38, 1-based): chr17:78,134,461, G>A. VCF-style: chr17-78134461-G-A. GRCh37 (hg19) VCF-style: chr17-76130542-G-A.
Other names: short protein forms R295H.
Identifiers: ClinVar variation 648780 (VCV000648780.9), dbSNP rs373918852, ClinGen allele CA8796651.